The following is an entry in ClinVar:

ClinVar aggregate classification (germline): Likely pathogenic (1 of 4 stars; one submission).

Conditions:
Microcephaly 5, primary, autosomal recessive (MCPH5). Also called: ASPM Primary Microcephaly. Identifiers: Orphanet 2512, MedGen C1837501, MONDO:0012106, OMIM 608716.

gnomAD v4.1: 24 of 1,612,158 alleles (0.0015%); highest among the groups gnomAD compares: Non-Finnish European, 0.0017%; no homozygotes.

Submission:

3billion
Classification: Likely pathogenic for Microcephaly 5, primary, autosomal recessive. Last evaluated: 2024-11-21. Review status: criteria provided, single submitter. Criteria: ACMG Guidelines, 2015. Collection method: clinical testing. Allele origin: germline. Affected: yes.
Comment: The variant is observed at an extremely low frequency in the gnomAD v4.1.0 dataset (total allele frequency: 0.002%). Predicted Consequence/Location: Stop-gained (nonsense): predicted to result in a loss or disruption of normal protein function through nonsense-mediated decay (NMD) or protein truncation. Multiple pathogenic variants are reported downstream of the variant. Therefore, this variant is classified as Likely pathogenic according to the recommendation of ACMG/AMP guideline.

NM_018136.5(ASPM):c.8044C>T (p.Arg2682Ter)

Gene: ASPM (assembly factor for spindle microtubules; minus strand). Cytogenetic location: 1q31.3.
Variant type: single nucleotide variant.
Coding change: c.8044C>T on transcript NM_018136.5 (MANE Select); coding-DNA position 8044, C replaced by T.
Protein change: p.Arg2682Ter; replaces arginine 2682 with a stop codon.
Molecular consequence: nonsense. On other transcripts: intron variant (1).
Genome position (GRCh38, 1-based): chr1:197,101,207, G>A on the plus strand (C>T on the coding strand, the complement: ASPM is on the minus strand). VCF-style: chr1-197101207-G-A. GRCh37 (hg19) VCF-style: chr1-197070337-G-A.
Other names: c.4066-5043C>T (NM_001206846.2); short protein forms R2682*.
Identifiers: ClinVar variation 4292884 (VCV004292884.1).
Genomic context (GRCh38, chr1:197,101,207, plus strand): 5'-GCATTCGATAGAATGACTGAATTAGTGTGGCAGCCCGGTGCATATTTTGAATATCCTTTC[G>A]TACTTTAAAGCCTCTGTAATAAGACTGTATACAAATAACTGCTTGGGTACGCACTGCAGT-3'